The following is an entry in ClinVar:

ClinVar aggregate classification (germline): Uncertain significance (1 of 4 stars; one submission).

Submission:

Greenwood Genetic Center Diagnostic Laboratories, Greenwood Genetic Center
Classification: Uncertain significance. Last evaluated: 2022-10-11. Review status: criteria provided, single submitter. Criteria: ACMG Guidelines, 2015. Collection method: clinical testing. Allele origin: germline. Affected: yes.
Comment: Gene of Uncertain Significance

NM_002865.3(RAB2A):c.319C>T (p.His107Tyr)

Gene: RAB2A (RAB2A, member RAS oncogene family; plus strand). Cytogenetic location: 8q12.1.
Variant type: single nucleotide variant.
Coding change: c.319C>T on transcript NM_002865.3 (MANE Select); coding-DNA position 319, C replaced by T.
Protein change: p.His107Tyr; replaces histidine 107 with tyrosine.
Molecular consequence: missense variant.
Genome position (GRCh38, 1-based): chr8:60,584,772, C>T. VCF-style: chr8-60584772-C-T. GRCh37 (hg19) VCF-style: chr8-61497331-C-T.
Other names: c.247C>T, p.His83Tyr (NM_001242644.1); short protein forms H107Y, H83Y.
Identifiers: ClinVar variation 2429061 (VCV002429061.4), dbSNP rs1803821616, ClinGen allele CA371398783.
Genomic context (GRCh38, chr8:60,584,772, plus strand): 5'-TTTATGTTTAGGAGAGATACATTCAACCACTTGACAACCTGGTTAGAAGATGCCCGCCAG[C>T]ATTCCAATTCCAACATGGTCATTATGCTTATTGGAAATAAAAGGTAAAAAGGCTAATTTA-3'
Protein context (NP_002856.1, residues 97-117): LTTWLEDARQ[His107Tyr]SNSNMVIMLI